The following is an entry in ClinVar:

NM_000090.4(COL3A1):c.827G>T (p.Gly276Val)

Gene: COL3A1 (collagen type III alpha 1 chain; plus strand). Cytogenetic location: 2q32.2.
Variant type: single nucleotide variant.
Coding change: c.827G>T on transcript NM_000090.4 (MANE Select); coding-DNA position 827, G replaced by T.
Protein change: p.Gly276Val; replaces glycine 276 with valine.
Molecular consequence: missense variant.
Genome position (GRCh38, 1-based): chr2:188,991,032, G>T. VCF-style: chr2-188991032-G-T. GRCh37 (hg19) VCF-style: chr2-189855758-G-T.
Other names: short protein forms G276V.
Identifiers: ClinVar variation 658081 (VCV000658081.9), dbSNP rs587779644, ClinGen allele CA349849803.

ClinVar aggregate classification (germline): Likely pathogenic (1 of 4 stars; one submission).

Conditions:
Ehlers-Danlos syndrome, type 4 (EDSVASC). Also called: Ehlers-Danlos syndrome vascular type; Ehlers Danlos syndrome, ecchymotic type; Ehlers Danlos syndrome, arterial type; Ehlers Danlos syndrome, Sack-Barabas type; Ehlers-Danlos Syndrome Type IV. Identifiers: Orphanet 286, MedGen C0268338, MONDO:0017314, OMIM 130050.

Submission:

Labcorp Genetics (formerly Invitae), Labcorp
Classification: Likely pathogenic for Ehlers-Danlos syndrome, type 4. Last evaluated: 2018-12-25. Review status: criteria provided, single submitter. Criteria: Invitae Variant Classification Sherloc (09022015). Collection method: clinical testing. Allele origin: germline.
Comment: In summary, the currently available evidence indicates that the variant is pathogenic, but additional data are needed to prove that conclusively. Therefore, this variant has been classified as Likely Pathogenic. Algorithms developed to predict the effect of sequence changes on RNA splicing suggest that this variant may create or strengthen a splice site, but this prediction has not been confirmed by published transcriptional studies. Glycine residues within the Gly-Xaa-Yaa repeats of the triple helix domain are required for the structure and stability of fibrillar collagens (PMID: 7695699, 8218237, 19344236). In COL3A1, missense variants at these glycine residues are significantly enriched in individuals with disease (PMID: 24922459, 25758994) compared to the general population (ExAC). This variant has not been reported in the literature in individuals with COL3A1-related disease. This variant is not present in population databases (ExAC no frequency). This sequence change replaces glycine with valine at codon 276 of the COL3A1 protein (p.Gly276Val). The glycine residue is highly conserved and there is a moderate physicochemical difference between glycine and valine.

Literature cited by the submitters: PubMed 7695699; PubMed 8218237; PubMed 19344236; PubMed 24922459; PubMed 25758994.